The following is an entry in ClinVar:

ClinVar aggregate classification (germline): Pathogenic (1 of 4 stars; one submission).

Conditions:
Early-infantile DEE. Also called: Early infantile epileptic encephalopathy; Early infantile epileptic encephalopathy with suppression bursts; Ohtahara syndrome. Identifiers: Orphanet 1934, MedGen C0393706, MONDO:0800491.

Submission:

Labcorp Genetics (formerly Invitae), Labcorp
Classification: Pathogenic for Early-infantile DEE. Last evaluated: 2022-12-15. Review status: criteria provided, single submitter. Criteria: Invitae Variant Classification Sherloc (09022015). Collection method: clinical testing. Allele origin: germline.
Comment: This sequence change creates a premature translational stop signal (p.Tyr635*) in the CACNA2D2 gene. It is expected to result in an absent or disrupted protein product. Loss-of-function variants in CACNA2D2 are known to be pathogenic (PMID: 24358150). This variant is not present in population databases (gnomAD no frequency). This variant has not been reported in the literature in individuals affected with CACNA2D2-related conditions. For these reasons, this variant has been classified as Pathogenic.

Literature cited by the submitters: PubMed 24358150.

NM_006030.4(CACNA2D2):c.1905C>G (p.Tyr635Ter)

Gene: CACNA2D2 (calcium voltage-gated channel auxiliary subunit alpha2delta 2; minus strand). Cytogenetic location: 3p21.31.
Variant type: single nucleotide variant.
Coding change: c.1905C>G on transcript NM_006030.4 (MANE Select); coding-DNA position 1905, C replaced by G.
Protein change: p.Tyr635Ter; replaces tyrosine 635 with a stop codon.
Molecular consequence: nonsense.
Genome position (GRCh38, 1-based): chr3:50,375,646, G>C on the plus strand (C>G on the coding strand, the complement: CACNA2D2 is on the minus strand). VCF-style: chr3-50375646-G-C. GRCh37 (hg19) VCF-style: chr3-50413077-G-C.
Other names: c.1905C>G, p.Tyr635Ter (NM_001005505.3, NM_001174051.3, NM_001410768.1); c.1698C>G, p.Tyr566Ter (NM_001291101.1); short protein forms Y635*, Y566*.
Identifiers: ClinVar variation 2818776 (VCV002818776.3), dbSNP rs1322090113, ClinGen allele CA352923401.